The following is an entry in ClinVar:

NM_003000.3(SDHB):c.418G>T (p.Val140Phe)

Gene: SDHB (succinate dehydrogenase complex iron sulfur subunit B; minus strand). Cytogenetic location: 1p36.13.
Variant type: single nucleotide variant.
Coding change: c.418G>T on transcript NM_003000.3 (MANE Select); coding-DNA position 418, G replaced by T.
Protein change: p.Val140Phe; replaces valine 140 with phenylalanine.
Molecular consequence: missense variant.
Genome position (GRCh38, 1-based): chr1:17,028,605, C>A on the plus strand (G>T on the coding strand, the complement: SDHB is on the minus strand). VCF-style: chr1-17028605-C-A. GRCh37 (hg19) VCF-style: chr1-17355100-C-A.
Other names: p.Val140Phe; short protein forms V140F.
Identifiers: ClinVar variation 18454 (VCV000018454.39), dbSNP rs267607032, ClinGen allele CA015853.

ClinVar aggregate classification (germline): Pathogenic/Likely pathogenic. Review status: criteria provided, multiple submitters, no conflicts (2 of 4 stars). 20 submissions from 20 submitters: Pathogenic (11); Likely pathogenic (6). 3 of the submissions do not count toward it. Last evaluated 2026-05-04.

Conditions:
Mitochondrial complex 2 deficiency, nuclear type 4. Also called: MITOCHONDRIAL COMPLEX II DEFICIENCY, NUCLEAR TYPE 4. Identifiers: MedGen C5543176, MONDO:0030974, OMIM 619224.
Carney-Stratakis syndrome. Also called: PARAGANGLIOMA AND GASTROINTESTINAL STROMAL TUMOR. Identifiers: Orphanet 97286, MedGen C1847319, MONDO:0011740, OMIM 606864.
Pheochromocytoma/paraganglioma syndrome 4. Also called: SDHB-Related Hereditary Paraganglioma-Pheochromocytoma Syndrome; CAROTID BODY TUMORS AND MULTIPLE EXTRAADRENAL PHEOCHROMOCYTOMAS; Paragangliomas 4; SDHB-Related Hereditary Paraganglioma-Pheochromocytoma Syndrome (Paragangliomas 4); PARAGANGLIOMA, FAMILIAL MALIGNANT; PARAGANGLIOMAS, HEREDITARY EXTRAADRENAL. Identifiers: Orphanet 29072, MedGen C1861848, MONDO:0007273, OMIM 115310.
Gastrointestinal stromal tumor. Also called: Gastrointestinal stroma tumor; Gastrointestinal stromal tumor, somatic. Identifiers: Orphanet 44890, MedGen C0238198, MeSH D046152, MONDO:0011719, OMIM 606764, HP:0100723.
Pheochromocytoma. Also called: MAX-Related Hereditary Paraganglioma-Pheochromocytoma Syndrome. Identifiers: Orphanet 29072, MedGen C0031511, MONDO:0008233, OMIM 171300, HP:0002666.
SDHB-related disorder. Also called: SDHB-related condition; SDHB-related disorders. Identifiers: MedGen CN239418.
Hereditary cancer-predisposing syndrome. Also called: Hereditary neoplastic syndrome; Tumor predisposition; Hereditary Cancer Syndrome; Neoplastic Syndromes, Hereditary. Identifiers: Orphanet 140162, MedGen C0027672, MeSH D009386, MONDO:0015356.
Hereditary pheochromocytoma and paraganglioma. Also called: Hereditary pheochromocytoma-paraganglioma; Hereditary paragangliomas and pheochromocytomas; Hereditary Paraganglioma-Pheochromocytoma Syndromes. Identifiers: Orphanet 29072, MedGen C4274332, MONDO:0017366.

Allele frequency attached by ClinVar (database versions not stated): gnomAD exomes below 0.00001 and 0.00001; TOPMed 0.00002; gnomAD 0.00003.
gnomAD v4.1: 7 of 1,614,050 alleles (0.00043%); highest among the groups gnomAD compares: Non-Finnish European, 0.00059%; no homozygotes.

Submissions 1 to 6 of 20:

PreventionGenetics, part of Exact Sciences
Classification: Pathogenic for SDHB-related condition. Last evaluated: 2026-05-04. Review status: criteria provided, single submitter. Criteria: ACMG Guidelines, 2015. Collection method: clinical testing. Allele origin: germline.
Comment: The SDHB c.418G>T variant is predicted to result in the amino acid substitution p.Val140Phe. This variant has been reported in multiple patients with paraganglioma (Brouwers et al. 2006. PubMed ID: 16912137; Niemeijer et al. 2017. PubMed ID: 28490599; Andrews et al. 2018. PubMed ID: 29386252; Rijken et al. 2018. PubMed ID: 29951630; Richter et al. 2018. PubMed ID: 30050099). This variant is reported in 0.0026% of alleles in individuals of European (Non-Finnish) descent in gnomAD and has interpretations of pathogenic and likely pathogenic in the ClinVar database (Variation ID: 18454). This variant is interpreted as pathogenic.

Labcorp Genetics (formerly Invitae), Labcorp
Classification: Pathogenic for Gastrointestinal stromal tumor; Pheochromocytoma/paraganglioma syndrome 4; Pheochromocytoma. Last evaluated: 2025-12-26. Review status: criteria provided, single submitter. Criteria: Invitae Variant Classification Sherloc (09022015). Collection method: clinical testing. Allele origin: germline.
Comment: This sequence change replaces valine, which is neutral and non-polar, with phenylalanine, which is neutral and non-polar, at codon 140 of the SDHB protein (p.Val140Phe). This variant is present in population databases (rs267607032, gnomAD 0.003%). This missense change has been observed in individuals with paraganglioma (PGL) and malignant PGL (PMID: 16912137, 19189136, 19802898, 19927285, 20503330, 20583550, 26236513). It has also been observed to segregate with disease in related individuals. ClinVar contains an entry for this variant (Variation ID: 18454). Invitae Evidence Modeling of protein sequence and biophysical properties (such as structural, functional, and spatial information, amino acid conservation, physicochemical variation, residue mobility, and thermodynamic stability) indicates that this missense variant is expected to disrupt SDHB protein function with a positive predictive value of 80%. For these reasons, this variant has been classified as Pathogenic.

Institute for Genomic Medicine (IGM) Clinical Laboratory, Nationwide Children's Hospital
Classification: Likely pathogenic for Pheochromocytoma/paraganglioma syndrome 4. Last evaluated: 2025-08-05. Review status: criteria provided, single submitter. Criteria: ACMG Guidelines, 2015. Collection method: clinical testing. Allele origin: germline.
Comment: This variant has been reported at an elevated frequency in affected individuals/in multiple affected individuals in the literature (ACMG/AMP: PS4; PMIDs:18840642, 19802898, 19189136, 19576851, 19927285, 28374168, 32035780). This variant is absent from or present at an exceedingly low frequency in gnomAD, a large-scale control population database (ACMG/AMP: PM2). This variant has been shown to segregate with disease in multiple affected family members (ACMG/AMP: PP1; PMIDs:20503330, 20583550). This variant is predicted to alter protein function or structure, or disrupt splicing by multiple in silico tools (ACMG/AMP: PP3).

Color Diagnostics, LLC DBA Color Health
Classification: Pathogenic for Hereditary pheochromocytoma and paraganglioma. Last evaluated: 2025-07-15. Review status: criteria provided, single submitter. Criteria: ACMG Guidelines, 2015. Collection method: clinical testing. Allele origin: germline.
Comment: This missense variant replaces valine with phenylalanine at codon 140 of the SDHB protein. Computational prediction suggests that this variant may have deleterious impact on protein structure and function. To our knowledge, functional studies have not been reported for this variant. This variant has been reported in over twenty individuals affected with hereditary paragangliomas/pheochromocytomas, including children (PMID: 16912137, 18840642, 19189136, 19215943, 19927285, 20418362, 20503330, 20583550, 25683602, 26236513, 27171833, 28503760, 29951630, 20503330). This variant has been shown to segregate with disease in two unrelated families (PMID: 20503330, 20583550). Multiple carrier individuals from one of these families were unaffected with SDHB-associated disease. One study has reported detection of this variant in 16 family members of 9 index patients, however, only 5 of these 16 family members were found to have paragangliomas/pheochromocytomas (PMID: 28374168). This study suggested that the penetrance of this variant is 50% at age 38. This variant has been identified in 3/251418 chromosomes in the general population by the Genome Aggregation Database (gnomAD). Based on the available evidence, this variant is classified as Pathogenic.

Ambry Genetics
Classification: Pathogenic for Hereditary cancer-predisposing syndrome. Last evaluated: 2025-06-27. Review status: criteria provided, single submitter. Criteria: Ambry Variant Classification Scheme 2023. Collection method: clinical testing. Allele origin: germline.
Comment: The p.V140F pathogenic mutation (also known as c.418G>T), located in coding exon 4 of the SDHB gene, results from a G to T substitution at nucleotide position 418. The valine at codon 140 is replaced by phenylalanine, an amino acid with highly similar properties. This variant was reported in individual(s) with features consistent with SDHB-related hereditary pheochromocytoma-paraganglioma; reduced penetrance has been suggested in multiple studies (Prodanov T et al. Pediatr. Nephrol., 2009 Jun;24:1239-42; van Nederveen FH et al. Lancet Oncol., 2009 Aug;10:764-71; Majumdar S et al. Pediatr Blood Cancer, 2010 Mar;54:473-5; Santiago AH et al. J. Pediatr. Endocrinol. Metab., 2010 Apr;23:419-22; Schimke RN et al. Am. J. Med. Genet. A, 2010 Jun;152A:1531-5; Martucci VL et al. Urol. Oncol., 2015 Apr;33:167.e13-20; Jochmanova I et al. J. Cancer Res. Clin. Oncol., 2017 Aug;143:1421-1435; Rijken JA et al. Clin. Genet. 2018 Jan;93(1):60-66). Based on internal structural analysis, this mutation is anticipated to result in a significant decrease in structural stability (Inaoka DK et al. Int J Mol Sci, 2015 Jul;16:15287-308). This amino acid position is highly conserved in available vertebrate species. In addition, this alteration is predicted to be deleterious by in silico analysis. Based on the supporting evidence, this alteration is interpreted as a disease-causing mutation.

Mayo Clinic Laboratories, Mayo Clinic
Classification: Likely pathogenic. Last evaluated: 2025-04-19. Review status: criteria provided, single submitter. Criteria: ACMG Guidelines, 2015. Collection method: clinical testing. Allele origin: germline. Observed: 1 variant allele.
Comment: PP1, PP3, PP4, PM2_supporting, PS4